The following is an entry in ClinVar:

NM_000038.6(APC):c.3982C>T (p.Gln1328Ter)

Gene: APC (APC regulator of Wnt signaling pathway; plus strand). Cytogenetic location: 5q22.2.
Variant type: single nucleotide variant.
Coding change: c.3982C>T on transcript NM_000038.6 (MANE Select); coding-DNA position 3982, C replaced by T.
Protein change: p.Gln1328Ter; replaces glutamine 1328 with a stop codon.
Molecular consequence: nonsense.
Genome position (GRCh38, 1-based): chr5:112,839,576, C>T. VCF-style: chr5-112839576-C-T. GRCh37 (hg19) VCF-style: chr5-112175273-C-T.
Other names: c.3982C>T, p.Gln1328Ter (NM_001127510.3, NM_001354895.2); c.3928C>T, p.Gln1310Ter (NM_001127511.3); c.4036C>T, p.Gln1346Ter (NM_001354896.2); c.4012C>T, p.Gln1338Ter (NM_001354897.2); c.3907C>T, p.Gln1303Ter (NM_001354898.2); c.3898C>T, p.Gln1300Ter (NM_001354899.2); c.3859C>T, p.Gln1287Ter (NM_001354900.2); c.3805C>T, p.Gln1269Ter (NM_001354901.2); and 5 more; short protein forms Q1310*, Q1328*, Q1045*, Q1168*, Q1202*, Q1300*, Q1338*, Q1237*.
Identifiers: ClinVar variation 92346 (VCV000092346.32), dbSNP rs398123121, ClinGen allele CA008851.
Genomic context (GRCh38, chr5:112,839,576, plus strand): 5'-AAAGAAAAGATTGGAACTAGGTCAGCTGAAGATCCTGTGAGCGAAGTTCCAGCAGTGTCA[C>T]AGCACCCTAGAACCAAATCCAGCAGACTGCAGGGTTCTAGTTTATCTTCAGAATCAGCCA-3'

ClinVar aggregate classification (germline): Pathogenic. Review status: criteria provided, multiple submitters, no conflicts (2 of 4 stars). 10 submissions from 10 submitters: Pathogenic (9). 1 of the submissions does not count toward it. Last evaluated 2026-08-06.

Conditions:
APC-related disorder. Also called: APC-related condition.
Desmoid disease, hereditary (DESMD). Also called: FIBROMATOSIS, FAMILIAL INFILTRATIVE. Identifiers: Orphanet 873, MedGen C1851124, OMIM 135290. Disease mechanism: loss of function.
Familial adenomatous polyposis 1 (FAP1). Also called: POLYPOSIS, ADENOMATOUS INTESTINAL; FAMILIAL ADENOMATOUS POLYPOSIS 1, ATTENUATED. Identifiers: MedGen C2713442, MONDO:0021056, OMIM 175100. Disease mechanism: loss of function.
Hepatocellular carcinoma (HCC). Also called: Primary carcinoma of liver; HEPATOMA; LIVER CELL CARCINOMA. Identifiers: Orphanet 88673, MedGen C2239176, MONDO:0007256, OMIM 114550, HP:0001402.
Gastric cancer. Also called: Malignant tumor of stomach; Stomach cancer. Identifiers: MedGen C0024623, MeSH D013274, MONDO:0001056, OMIM 613659, HP:0012126.
Gastric adenocarcinoma and proximal polyposis of the stomach (GAPPS). Also called: Polyposis, gastric, Dos Santos and de Magalhaes 1980; Gastric Adenocarcinoma and Proximal Polyposis of the Stomach (GAPPS); POLYPOSIS, GASTRIC. Identifiers: Orphanet 314022, MedGen C4749917, MONDO:0017790, OMIM 619182.
Colorectal cancer. Also called: Colorectal cancer, somatic; Malignant Colorectal Neoplasm. Identifiers: MedGen C0346629, MONDO:0005575, OMIM 114500.
Hereditary cancer-predisposing syndrome. Also called: Hereditary Cancer Syndrome; Tumor predisposition; Neoplastic Syndromes, Hereditary; Hereditary neoplastic syndrome. Identifiers: Orphanet 140162, MedGen C0027672, MeSH D009386, MONDO:0015356.
Carcinoma of colon (CRC). Also called: Colonic carcinoma; Colon carcinoma. Identifiers: MedGen C0699790, MONDO:0002032.

Submissions (10):

GeneDx
Classification: Pathogenic. Last evaluated: 2026-08-06. Review status: criteria provided, single submitter. Criteria: GeneDx Variant Classification Process June 2021. Collection method: clinical testing. Allele origin: germline.
Comment: Observed in multiple individuals with a personal and/or family history of adenomatous polyposis (PMID: 8395941, 9101302, 14961559); Nonsense variant predicted to result in protein truncation or nonsense mediated decay in a gene for which loss of function is a known mechanism of disease; Not observed at significant frequency in large population cohorts (gnomAD); This variant is associated with the following publications: (PMID: 20685668, 26900293, 14961559, 22810696, 9101302, 25851626, 21901162, 30897307, 8395941, 18199528)

Ambry Genetics
Classification: Pathogenic for Hereditary cancer-predisposing syndrome. Last evaluated: 2025-11-03. Review status: criteria provided, single submitter. Criteria: Ambry Variant Classification Scheme 2023. Collection method: clinical testing. Allele origin: germline.
Comment: The p.Q1328* pathogenic mutation (also known as c.3982C>T), located in coding exon 15 of the APC gene, results from a C to T substitution at nucleotide position 3982. This changes the amino acid from a glutamine to a stop codon within coding exon 15. This alteration occurs at the 3' terminus of the gene, is not expected to trigger nonsense-mediated mRNA decay, and impacts the last 53% of the protein. However, premature stop codons are typically deleterious in nature and a significant portion of the protein is affected (Ambry internal data). This alteration has been reported in multiple individuals with a clinical diagnosis of familial adenomatous polyposis (FAP) (de Oliveira JC et al. Cancer Med, 2019 May;8:2114-2122; De Rosa M et al. Hum. Mutat. 2003 Jun;21:655-6; Gismondi V et al. Hum. Mutat. 1997;9:370-3; Lagarde A et al. J. Med. Genet. 2010 Oct;47:721-2; Paul P et al. Hum. Mol. Genet. 1993 Jul;2:925-31). Based on the supporting evidence, this variant is interpreted as a disease-causing mutation.

Labcorp Genetics (formerly Invitae), Labcorp
Classification: Pathogenic for Familial adenomatous polyposis 1. Last evaluated: 2025-06-10. Review status: criteria provided, single submitter. Criteria: Invitae Variant Classification Sherloc (09022015). Collection method: clinical testing. Allele origin: germline.
Comment: This sequence change creates a premature translational stop signal (p.Gln1328*) in the APC gene. While this is not anticipated to result in nonsense mediated decay, it is expected to disrupt the last 1516 amino acid(s) of the APC protein. This variant is not present in population databases (gnomAD no frequency). This premature translational stop signal has been observed in individual(s) with familial adenomatous polyposis the literature (PMID: 8395941, 9101302, 14961559, 20685668, 26900293). ClinVar contains an entry for this variant (Variation ID: 92346). This variant is expected to disrupt the EB1 and HDLG binding sites, which mediate interactions with the cytoskeleton (PMID: 15311282, 17293347). While functional studies have not been performed to directly test the effect on APC protein function, this suggests that disruption of the C-terminal portion of the protein is functionally important. A different truncation (p.Tyr2645Lysfs*14) that lies downstream of this variant has been determined to be pathogenic (PMID: 9824584, 1316610, 27081525, 8381579, 22135120, internal data). This suggests that deletion of this region of the APC protein is causative of disease. For these reasons, this variant has been classified as Pathogenic.

PreventionGenetics, part of Exact Sciences
Classification: Pathogenic for APC-related condition. Last evaluated: 2025-02-05. Review status: criteria provided, single submitter. Criteria: ACMG Guidelines, 2015. Collection method: clinical testing. Allele origin: germline.
Comment: The APC c.3982C>T variant is predicted to result in premature protein termination (p.Gln1328*). This variant has been reported in at least three individuals with familial adenomatous polyposis coli (FAP) (Paul et al. 1993. PubMed ID: 8395941; de Oliveira et al. 2019. PubMed ID: 30897307; de Rosa et al. 2003. PubMed ID: 14961559) and was shown to segregate with FAP in one family (Paul et al. 1993. PubMed ID: 8395941). It has also been reported in individuals with colorectal cancer (Chang et al. 2016. PubMed ID: 26900293). This variant has not been reported in a large population database, indicating this variant is rare. It is interpreted as pathogenic in ClinVar (ClinVar ID: 92346). Nonsense variants in APC are expected to be pathogenic. Although this variant is located in the terminal exon of APC, pathogenic truncating variants have been reported downstream of this variant. This variant is interpreted as pathogenic.

Baylor Genetics
Classification: Pathogenic for Familial adenomatous polyposis 1. Last evaluated: 2024-03-28. Review status: criteria provided, single submitter. Criteria: ACMG Guidelines, 2015. Collection method: clinical testing. Allele origin: unknown.

Fulgent Genetics
Classification: Pathogenic for Colorectal cancer; Hepatocellular carcinoma; Desmoid disease, hereditary; Familial adenomatous polyposis 1; Gastric cancer; Gastric adenocarcinoma and proximal polyposis of the stomach. Last evaluated: 2024-01-09. Review status: criteria provided, single submitter. Criteria: ACMG Guidelines, 2015. Collection method: clinical testing. Allele origin: germline.

Myriad Genetics, Inc.
Classification: Pathogenic for Familial adenomatous polyposis 1. Last evaluated: 2023-05-10. Review status: criteria provided, single submitter. Criteria: Myriad Autosomal Dominant, Autosomal Recessive and X-Linked Classification Criteria (2023). Collection method: clinical testing. Allele origin: unknown.
Comment: This variant is considered pathogenic. This variant creates a termination codon and is predicted to result in premature protein truncation.

Mayo Clinic Laboratories, Mayo Clinic
Classification: Pathogenic. Last evaluated: 2020-11-30. Review status: criteria provided, single submitter. Criteria: ACMG Guidelines, 2015. Collection method: clinical testing. Allele origin: germline. Observed: 1 variant allele.
Comment: PVS1_Strong, PS2, PM2, PP4

Eurofins Ntd Llc (ga)
Classification: Pathogenic. Last evaluated: 2012-10-26. Review status: criteria provided, single submitter. Criteria: EGL Classification Definitions. Collection method: clinical testing. Allele origin: germline. Observed: 3 variant alleles, 3 heterozygotes.

Department of Pathology and Laboratory Medicine, Sinai Health System
Classification: Pathogenic for Carcinoma of colon. Review status: no assertion criteria provided. Collection method: clinical testing. Allele origin: unknown. Affected: yes. Study: The Canadian Open Genetics Repository (COGR). Not counted in ClinVar's aggregate classification.
Comment: The p.Gln1328X variant was identified in 6 of 192 proband chromosomes (frequency: 0.031) from Italian individuals or families with familial adenomatous polyposis (Paul 1993, De Rosa 2003, Gismondi 1997). The variant is listed in the dbSNP database (ID#: rs398123121) â€šÃ„ÃºWith Pathogenic alleleâ€šÃ„Ã¹ however no frequency information was provided. The variant was not found in 1000 Genomes Project, NHLBI Exome Sequencing Project (Exome Variant Server), or the Exome Aggregation Consortium (ExAC) databases. The variant was identified 2x by Emory Genetics in the ClinVar database classified as a pathogenic variant. In Clinvitae the variant is classified 1x as pathogenic; and was identified 20x in COSMIC (15x as somatic mutations: 11x from tumour and 9x from an unknown source). In the â€šÃ„ÃºInSiGHT Colon Cancer Databaseâ€šÃ„Ã¹, the variant was identified 4x with no classification. In the UMD-APC database the variant was identified 6x as â€šÃ„Ãºcausalâ€šÃ„Ã¹. The p.Gln1328X variant leads to a premature stop codon at position 1328, which is predicted to lead to a truncated or absent protein and loss of function. Loss of function variants of the APC gene are an established mechanism of disease in familial adenomatous polyposis and is the type of variant expected to cause the disorder. In summary, based on the above information, this variant meets our laboratoryâ€šÃ„Ã´s criteria to be classified as pathogenic.

Literature cited by the submitters: PubMed 14961559 (cited by 3 submitters); PubMed 17064931 (cited by Ambry Genetics and Mayo Clinic Laboratories, Mayo Clinic); PubMed 20685668 (cited by 3 submitters); PubMed 30897307 (cited by Ambry Genetics and Mayo Clinic Laboratories, Mayo Clinic); PubMed 8395941 (cited by 3 submitters); PubMed 9101302 (cited by 3 submitters); PubMed 26900293 (cited by Labcorp Genetics (formerly Invitae), Labcorp and Mayo Clinic Laboratories, Mayo Clinic); PubMed 15311282 (cited by Labcorp Genetics (formerly Invitae), Labcorp); PubMed 17293347 (cited by Labcorp Genetics (formerly Invitae), Labcorp); PubMed 9824584 (cited by Labcorp Genetics (formerly Invitae), Labcorp); PubMed 1316610 (cited by Labcorp Genetics (formerly Invitae), Labcorp); PubMed 27081525 (cited by Labcorp Genetics (formerly Invitae), Labcorp); PubMed 8381579 (cited by Labcorp Genetics (formerly Invitae), Labcorp); PubMed 22135120 (cited by Labcorp Genetics (formerly Invitae), Labcorp).